The following is an entry in ClinVar:

NM_000702.4(ATP1A2):c.630+123T>C

Genes: ATP1A2 (ATPase Na+/K+ transporting subunit alpha 2; plus strand), LOC126805890 (CDK7 strongly-dependent group 2 enhancer GRCh37_chr1:160093987-160095186; plus strand). Cytogenetic location: 1q23.2.
Variant type: single nucleotide variant.
Coding change: c.630+123T>C on transcript NM_000702.4 (MANE Select); 123 bases into the intron after coding-DNA position 630, T replaced by C.
Molecular consequence: intron variant.
Genome position (GRCh38, 1-based): chr1:160,124,553, T>C. VCF-style: chr1-160124553-T-C. GRCh37 (hg19) VCF-style: chr1-160094343-T-C.
Identifiers: ClinVar variation 678075 (VCV000678075.2), dbSNP rs1023420, ClinGen allele CA15082354.

ClinVar aggregate classification (germline): Benign. Review status: criteria provided, multiple submitters, no conflicts (2 of 4 stars). 2 submissions from 2 submitters: Benign (2). Last evaluated 2018-06-18.

Allele frequency attached by ClinVar (database versions not stated): gnomAD exomes 0.17393; gnomAD 0.21484 and 0.21558; TOPMed 0.23537; 1000 Genomes Project 0.24261; 1000 Genomes Project 30x 0.24516.
gnomAD v4.1: 257,086 of 1,438,180 alleles (18%); highest among the groups gnomAD compares: East Asian, 33%; 25,231 homozygotes.

Submissions (2):

GeneDx
Classification: Benign. Last evaluated: 2018-06-18. Review status: criteria provided, single submitter. Criteria: GeneDx Variant Classification (06012015). Collection method: clinical testing. Allele origin: germline. Affected: yes.
Comment: This variant is considered likely benign or benign based on one or more of the following criteria: it is a conservative change, it occurs at a poorly conserved position in the protein, it is predicted to be benign by multiple in silico algorithms, and/or has population frequency not consistent with disease.

Breakthrough Genomics
Classification: Benign. Review status: criteria provided, single submitter. Criteria: ACMG Guidelines, 2015. Collection method: not provided. Allele origin: germline. Inheritance: Autosomal recessive inheritance. Affected: yes.